The following is an entry in ClinVar:

ClinVar aggregate classification (germline): Conflicting classifications of pathogenicity. Review status: criteria provided, conflicting classifications (1 of 4 stars). 3 submissions from 3 submitters: Uncertain significance (2); Likely benign (1). Last evaluated 2025-10-30.

Conditions:
Inborn genetic diseases. Identifiers: MedGen C0950123, MeSH D030342.

Allele frequency attached by ClinVar (database versions not stated): gnomAD 0.00001 and 0.00002; gnomAD exomes 0.00002; ExAC 0.00003; TOPMed 0.00004.
gnomAD v4.1: 30 of 1,612,430 alleles (0.0019%); highest among the groups gnomAD compares: Non-Finnish European, 0.0024%; no homozygotes.

Submissions (3):

Ambry Genetics
Classification: Uncertain significance for Inborn genetic diseases. Last evaluated: 2025-10-30. Review status: criteria provided, single submitter. Criteria: Ambry Variant Classification Scheme 2023. Collection method: clinical testing. Allele origin: germline.

Labcorp Genetics (formerly Invitae), Labcorp
Classification: Likely benign. Last evaluated: 2024-09-06. Review status: criteria provided, single submitter. Criteria: Invitae Variant Classification Sherloc (09022015). Collection method: clinical testing. Allele origin: germline.

GeneDx
Classification: Uncertain significance. Last evaluated: 2021-06-10. Review status: criteria provided, single submitter. Criteria: GeneDx Variant Classification Process June 2021. Collection method: clinical testing. Allele origin: germline. Affected: yes.
Comment: Not observed at significant frequency in large population cohorts (Lek et al., 2016); In silico analysis supports that this missense variant has a deleterious effect on protein structure/function; Has not been previously published as pathogenic or benign to our knowledge; This variant is associated with the following publications: (PMID: 27535533)

NM_006946.4(SPTBN2):c.6063T>G (p.Asp2021Glu)

Gene: SPTBN2 (spectrin beta, non-erythrocytic 2; minus strand). Cytogenetic location: 11q13.2.
Variant type: single nucleotide variant.
Coding change: c.6063T>G on transcript NM_006946.4 (MANE Select); coding-DNA position 6063, T replaced by G.
Protein change: p.Asp2021Glu; replaces aspartic acid 2021 with glutamic acid.
Molecular consequence: missense variant.
Genome position (GRCh38, 1-based): chr11:66,688,821, A>C on the plus strand (T>G on the coding strand, the complement: SPTBN2 is on the minus strand). VCF-style: chr11-66688821-A-C. GRCh37 (hg19) VCF-style: chr11-66456292-A-C.
Other names: short protein forms D2021E.
Identifiers: ClinVar variation 1327863 (VCV001327863.11), dbSNP rs748137168, ClinGen allele CA6128054.